The following is an entry in ClinVar:

ClinVar aggregate classification (germline): Uncertain significance. Review status: criteria provided, multiple submitters, no conflicts (2 of 4 stars). 2 submissions from 2 submitters: Uncertain significance (2). Last evaluated 2026-09-26.

Submissions (2):

GeneDx
Classification: Uncertain significance. Last evaluated: 2026-09-26. Review status: criteria provided, single submitter. Criteria: GeneDx Variant Classification Process June 2021. Collection method: clinical testing. Allele origin: germline.
Comment: Not observed at significant frequency in large population cohorts (gnomAD); Missense variants in this gene are a common cause of disease and they are underrepresented in the general population; In silico analysis suggests that this missense variant does not alter protein structure/function; Has not been previously published as pathogenic or benign to our knowledge; This variant is associated with the following publications: (PMID: 20829227)

Labcorp Genetics (formerly Invitae), Labcorp
Classification: Uncertain significance. Last evaluated: 2025-08-01. Review status: criteria provided, single submitter. Criteria: Invitae Variant Classification Sherloc (09022015). Collection method: clinical testing. Allele origin: germline.
Comment: This sequence change replaces methionine, which is neutral and non-polar, with isoleucine, which is neutral and non-polar, at codon 321 of the TUBB3 protein (p.Met321Ile). This variant is not present in population databases (gnomAD no frequency). This variant has not been reported in the literature in individuals affected with TUBB3-related conditions. ClinVar contains an entry for this variant (Variation ID: 1304179). Invitae Evidence Modeling of protein sequence and biophysical properties (such as structural, functional, and spatial information, amino acid conservation, physicochemical variation, residue mobility, and thermodynamic stability) indicates that this missense variant is not expected to disrupt TUBB3 protein function with a negative predictive value of 80%. In summary, the available evidence is currently insufficient to determine the role of this variant in disease. Therefore, it has been classified as a Variant of Uncertain Significance.

NM_006086.4(TUBB3):c.963G>A (p.Met321Ile)

Gene: TUBB3 (tubulin beta 3 class III; plus strand). Cytogenetic location: 16q24.3.
Variant type: single nucleotide variant.
Coding change: c.963G>A on transcript NM_006086.4 (MANE Select); coding-DNA position 963, G replaced by A.
Protein change: p.Met321Ile; replaces methionine 321 with isoleucine.
Molecular consequence: missense variant.
Genome position (GRCh38, 1-based): chr16:89,935,414, G>A. VCF-style: chr16-89935414-G-A. GRCh37 (hg19) VCF-style: chr16-90001822-G-A.
Other names: c.747G>A, p.Met249Ile (NM_001197181.2); short protein forms M249I, M321I.
Identifiers: ClinVar variation 1304179 (VCV001304179.4), dbSNP rs2151092980, ClinGen allele CA397476140.